The following is an entry in ClinVar:

NM_000214.3(JAG1):c.218C>T (p.Thr73Ile)

Gene: JAG1 (jagged canonical Notch ligand 1; minus strand). Cytogenetic location: 20p12.2.
Variant type: single nucleotide variant.
Coding change: c.218C>T on transcript NM_000214.3 (MANE Select); coding-DNA position 218, C replaced by T.
Protein change: p.Thr73Ile; replaces threonine 73 with isoleucine.
Molecular consequence: missense variant.
Genome position (GRCh38, 1-based): chr20:10,672,870, G>A on the plus strand (C>T on the coding strand, the complement: JAG1 is on the minus strand). VCF-style: chr20-10672870-G-A. GRCh37 (hg19) VCF-style: chr20-10653518-G-A.
Other names: short protein forms T73I.
Identifiers: ClinVar variation 4824966 (VCV004824966.1).

ClinVar aggregate classification (germline): Uncertain significance (1 of 4 stars; one submission).

Conditions:
Cardiovascular phenotype. Identifiers: MedGen CN230736.

Submission:

Ambry Genetics
Classification: Uncertain significance for Cardiovascular phenotype. Last evaluated: 2026-01-24. Review status: criteria provided, single submitter. Criteria: Ambry Variant Classification Scheme 2023. Collection method: clinical testing. Allele origin: germline.
Comment: The p.T73I variant (also known as c.218C>T), located in coding exon 2 of the JAG1 gene, results from a C to T substitution at nucleotide position 218. The threonine at codon 73 is replaced by isoleucine, an amino acid with similar properties. This amino acid position is conserved. In addition, this alteration is predicted to be deleterious by in silico analysis. Based on the available evidence, the clinical significance of this variant remains unclear.